The following is an entry in ClinVar:

NM_001130823.3(DNMT1):c.1117G>A (p.Gly373Arg)

Gene: DNMT1 (DNA methyltransferase 1; minus strand). Cytogenetic location: 19p13.2.
Variant type: single nucleotide variant.
Coding change: c.1117G>A on transcript NM_001130823.3 (MANE Select); coding-DNA position 1117, G replaced by A.
Protein change: p.Gly373Arg; replaces glycine 373 with arginine.
Molecular consequence: missense variant.
Genome position (GRCh38, 1-based): chr19:10,159,895, C>T on the plus strand (G>A on the coding strand, the complement: DNMT1 is on the minus strand). VCF-style: chr19-10159895-C-T. GRCh37 (hg19) VCF-style: chr19-10270571-C-T.
Other names: c.1069G>A, p.Gly357Arg (NM_001318730.2, NM_001379.4); c.754G>A, p.Gly252Arg (NM_001318731.2); short protein forms G373R, G357R, G252R.
Identifiers: ClinVar variation 4738897 (VCV004738897.1).
Genomic context (GRCh38, chr19:10,159,895, plus strand): 5'-TACGTACCGCGTCTGGTGGGTGCTGCCCATATTTGAGGTCAGGGTCGTCCAGGTACTGCC[C>T]GCACTGAATGCACTTGGGAGGGTGGGTCTGTGGGAGCAGGAACACAGATGATGGCACTCA-3'
Protein context (NP_001124295.1, residues 363-383): KTHPPKCIQC[Gly373Arg]QYLDDPDLKY

ClinVar aggregate classification (germline): Uncertain significance (1 of 4 stars; one submission).

Conditions:
Hereditary sensory neuropathy-deafness-dementia syndrome. Also called: NEUROPATHY, HEREDITARY SENSORY, WITH HEARING LOSS AND DEMENTIA; Hereditary Sensory and Autonomic Neuropathy Type 1E (HSAN1E); HSN IE; Hereditary sensory neuropathy type IE. Identifiers: Orphanet 456318, MedGen C3279885, MONDO:0013584, OMIM 614116.

gnomAD v4.1: 3 of 1,614,156 alleles (0.00019%); highest among the groups gnomAD compares: Non-Finnish European, 0.000085%; no homozygotes.

Submission:

Labcorp Genetics (formerly Invitae), Labcorp
Classification: Uncertain significance for Hereditary sensory neuropathy-deafness-dementia syndrome. Last evaluated: 2025-06-24. Review status: criteria provided, single submitter. Criteria: Invitae Variant Classification Sherloc (09022015). Collection method: clinical testing. Allele origin: germline.
Comment: This sequence change replaces glycine, which is neutral and non-polar, with arginine, which is basic and polar, at codon 373 of the DNMT1 protein (p.Gly373Arg). This variant is not present in population databases (gnomAD no frequency). This variant has not been reported in the literature in individuals affected with DNMT1-related conditions. Invitae Evidence Modeling of protein sequence and biophysical properties (such as structural, functional, and spatial information, amino acid conservation, physicochemical variation, residue mobility, and thermodynamic stability) indicates that this missense variant is not expected to disrupt DNMT1 protein function with a negative predictive value of 80%. In summary, the available evidence is currently insufficient to determine the role of this variant in disease. Therefore, it has been classified as a Variant of Uncertain Significance.